The following is an entry in ClinVar:

ClinVar aggregate classification (germline): Likely pathogenic (1 of 4 stars; one submission).

Conditions:
Dilated cardiomyopathy 1G (CMD1G). Identifiers: Orphanet 154, MedGen C1858763, MONDO:0011400, OMIM 604145.
Autosomal recessive limb-girdle muscular dystrophy type 2J (LGMDR10). Also called: Limb-girdle muscular dystrophy, type 2J; MUSCULAR DYSTROPHY, LIMB-GIRDLE, AUTOSOMAL RECESSIVE 10. Identifiers: Orphanet 140922, MedGen C1837342, MONDO:0012127, OMIM 608807.

Submission:

Labcorp Genetics (formerly Invitae), Labcorp
Classification: Likely pathogenic for Dilated cardiomyopathy 1G; Autosomal recessive limb-girdle muscular dystrophy type 2J. Last evaluated: 2023-11-27. Review status: criteria provided, single submitter. Criteria: Invitae Variant Classification Sherloc (09022015). Collection method: clinical testing. Allele origin: germline.
Comment: This sequence change creates a premature translational stop signal (p.Glu30130*) in the TTN gene. While this is not anticipated to result in nonsense mediated decay, it is expected to create a truncated TTN protein. This variant is not present in population databases (gnomAD no frequency). This variant has not been reported in the literature in individuals affected with TTN-related conditions. ClinVar contains an entry for this variant (Variation ID: 1483460). This variant is located in the A band of TTN (PMID: 25589632). Truncating variants in this region are significantly overrepresented in patients affected with dilated cardiomyopathy (PMID: 25589632). Truncating variants in this region have also been reported in individuals affected with autosomal recessive centronuclear myopathy (PMID: 23975875). In summary, the currently available evidence indicates that the variant is pathogenic, but additional data are needed to prove that conclusively. Therefore, this variant has been classified as Likely Pathogenic.

Literature cited by the submitters: PubMed 25589632; PubMed 23975875.

NM_001267550.2(TTN):c.90388G>T (p.Glu30130Ter)

Genes: TTN-AS1 (TTN antisense RNA 1; plus strand), TTN (titin; minus strand). Cytogenetic location: 2q31.2.
Variant type: single nucleotide variant.
Coding change: c.90388G>T on transcript NM_001267550.2 (MANE Select); coding-DNA position 90388, G replaced by T.
Protein change: p.Glu30130Ter; replaces glutamic acid 30130 with a stop codon.
Molecular consequence: nonsense.
Genome position (GRCh38, 1-based): chr2:178,552,512, C>A on the plus strand (G>T on the coding strand, the complement: TTN is on the minus strand). VCF-style: chr2-178552512-C-A. GRCh37 (hg19) VCF-style: chr2-179417239-C-A.
Other names: c.85465G>T, p.Glu28489Ter (NM_001256850.1); c.63193G>T, p.Glu21065Ter (NM_003319.4); c.82684G>T, p.Glu27562Ter (NM_133378.4); c.63568G>T, p.Glu21190Ter (NM_133432.3); c.63769G>T, p.Glu21257Ter (NM_133437.4); short protein forms E21065*, E27562*, E28489*, E30130*, E21190*, E21257*.
Identifiers: ClinVar variation 1483460 (VCV001483460.6), dbSNP rs2154151318, ClinGen allele CA349511214.